The following is an entry in ClinVar:

NM_001290060.2(SEMA3B):c.2037C>A (p.Pro679=)

Gene: SEMA3B (semaphorin 3B; plus strand). Cytogenetic location: 3p21.31.
Variant type: single nucleotide variant.
Coding change: c.2037C>A on transcript NM_001290060.2 (MANE Select); coding-DNA position 2037, C replaced by A.
Protein change: p.Pro679=; no amino-acid change (proline 679 retained).
Molecular consequence: synonymous variant. On other transcripts: non-coding transcript variant (1).
Genome position (GRCh38, 1-based): chr3:50,276,493, C>A. VCF-style: chr3-50276493-C-A. GRCh37 (hg19) VCF-style: chr3-50313924-C-A.
Other names: c.2034C>A, p.Pro678= (NM_001005914.3, NM_001435957.1, NM_001435958.1); c.2052C>A, p.Pro684= (NM_001290061.1); c.1008C>A, p.Pro336= (NM_001290062.2, NM_001290063.2); c.2037C>A, p.Pro679= (NM_001435956.1, NM_004636.4).
Identifiers: ClinVar variation 4983298 (VCV004983298.1).

ClinVar aggregate classification (germline): Likely benign (1 of 4 stars; one submission).

Conditions:
SEMA3B-related disorder. Also called: SEMA3B-related condition.

Submission:

PreventionGenetics, part of Exact Sciences
Classification: Likely benign for SEMA3B-related condition. Last evaluated: 2026-05-26. Review status: criteria provided, single submitter. Criteria: ACMG Guidelines, 2015. Collection method: clinical testing. Allele origin: germline.
Comment: This variant is classified as likely benign based on ACMG/AMP sequence variant interpretation guidelines (Richards et al. 2015 PMID: 25741868, with internal and published modifications).